The following is an entry in ClinVar:

ClinVar aggregate classification (germline): Benign/Likely benign. Review status: criteria provided, multiple submitters, no conflicts (2 of 4 stars). 3 submissions from 3 submitters: Benign (1); Likely benign (2). Last evaluated 2024-11-14.

Conditions:
Weill-Marchesani 4 syndrome, recessive. Also called: Weill-Marchesani syndrome 4. Identifiers: Orphanet 363992, MedGen C2750787, MONDO:0013176, OMIM 613195.

Allele frequency attached by ClinVar (database versions not stated): gnomAD 0.00006 and 0.00019; TOPMed 0.00007; gnomAD exomes 0.00023 and 0.00039; ExAC 0.00027; 1000 Genomes Project 30x 0.00109; 1000 Genomes Project 0.00140.
gnomAD v4.1: 579 of 1,614,242 alleles (0.036%); highest among the groups gnomAD compares: East Asian, 1.3%; 7 homozygotes.

Submissions (3):

Labcorp Genetics (formerly Invitae), Labcorp
Classification: Benign. Last evaluated: 2024-11-14. Review status: criteria provided, single submitter. Criteria: Invitae Variant Classification Sherloc (09022015). Collection method: clinical testing. Allele origin: germline.

Blueprint Genetics
Classification: Likely benign. Last evaluated: 2024-03-13. Review status: criteria provided, single submitter. Criteria: ACMG Guidelines, 2015. Collection method: clinical testing. Allele origin: germline.

Illumina Laboratory Services, Illumina
Classification: Likely benign for Weill-Marchesani 4 syndrome, recessive. Last evaluated: 2018-01-13. Review status: criteria provided, single submitter. Criteria: ICSL Variant Classification Criteria 13 December 2019. Collection method: clinical testing. Allele origin: germline.
Comment: This variant was observed in the ICSL laboratory as part of a predisposition screen in an ostensibly healthy population. It had not been previously curated by ICSL or reported in the Human Gene Mutation Database (HGMD: prior to June 1st, 2018), and was therefore a candidate for classification through an automated scoring system. Utilizing variant allele frequency, disease prevalence and penetrance estimates, and inheritance mode, an automated score was calculated to assess if this variant is too frequent to cause the disease. Based on the score and internal cut-off values, a variant classified as likely benign is not then subjected to further curation. The score for this variant resulted in a classification of likely benign for this disease.

NM_139057.4(ADAMTS17):c.3128-6C>T

Gene: ADAMTS17 (ADAM metallopeptidase with thrombospondin type 1 motif 17; minus strand). Cytogenetic location: 15q26.3.
Variant type: single nucleotide variant.
Coding change: c.3128-6C>T on transcript NM_139057.4 (MANE Select); 6 bases into the intron before coding-DNA position 3128, C replaced by T.
Molecular consequence: intron variant.
Genome position (GRCh38, 1-based): chr15:99,974,568, G>A on the plus strand (C>T on the coding strand, the complement: ADAMTS17 is on the minus strand). VCF-style: chr15-99974568-G-A. GRCh37 (hg19) VCF-style: chr15-100514773-G-A.
Identifiers: ClinVar variation 887694 (VCV000887694.12), dbSNP rs148559983, ClinGen allele CA7757454.